The following is an entry in ClinVar:

ClinVar aggregate classification (germline): Uncertain significance (1 of 4 stars; one submission).

Conditions:
Mendelian susceptibility to mycobacterial diseases due to partial STAT1 deficiency. Also called: IMMUNODEFICIENCY 31A, MYCOBACTERIOSIS, AUTOSOMAL DOMINANT; STAT1 DEFICIENCY, AUTOSOMAL DOMINANT; Immunodeficiency 31a. Identifiers: Orphanet 319595, MedGen C4013950, MONDO:0013956, OMIM 614892.
Immunodeficiency 31B. Also called: STAT1 DEFICIENCY, AUTOSOMAL RECESSIVE; IMMUNODEFICIENCY 31B, MYCOBACTERIAL AND VIRAL INFECTIONS, AUTOSOMAL RECESSIVE. Identifiers: Orphanet 391311, MedGen C3151088, MONDO:0013427, OMIM 613796.
Autoimmune enteropathy and endocrinopathy - susceptibility to chronic infections syndrome. Also called: Immunodeficiency 31C, autosomal dominant; Immunodeficiency 31C. Identifiers: Orphanet 391487, MedGen C3279990, MONDO:0013599, OMIM 614162.

Submission:

Labcorp Genetics (formerly Invitae), Labcorp
Classification: Uncertain significance for Mendelian susceptibility to mycobacterial diseases due to partial STAT1 deficiency; Immunodeficiency 31B; Autoimmune enteropathy and endocrinopathy - susceptibility to chronic infections syndrome. Last evaluated: 2025-05-17. Review status: criteria provided, single submitter. Criteria: Invitae Variant Classification Sherloc (09022015). Collection method: clinical testing. Allele origin: germline.
Comment: This sequence change replaces methionine, which is neutral and non-polar, with threonine, which is neutral and polar, at codon 390 of the STAT1 protein (p.Met390Thr). This variant is not present in population databases (gnomAD no frequency). This missense change has been observed in individual(s) with chronic mucocutaneous candidiasis (PMID: 24343863, 27114460, 34718945, 35486339; internal data). ClinVar contains an entry for this variant (Variation ID: 1465662). An algorithm developed to predict the effect of missense changes on protein structure and function (PolyPhen-2) suggests that this variant is likely to be disruptive. Experimental studies have shown that this missense change affects STAT1 function (PMID: 24343863, 28601685). In summary, the available evidence is currently insufficient to determine the role of this variant in disease. Therefore, it has been classified as a Variant of Uncertain Significance.

Literature cited by the submitters: PubMed 24343863; PubMed 27114460; PubMed 34718945; PubMed 35486339; PubMed 28601685.

NM_007315.4(STAT1):c.1169T>C (p.Met390Thr)

Gene: STAT1 (signal transducer and activator of transcription 1; minus strand). Cytogenetic location: 2q32.2.
Variant type: single nucleotide variant.
Coding change: c.1169T>C on transcript NM_007315.4 (MANE Select); coding-DNA position 1169, T replaced by C.
Protein change: p.Met390Thr; replaces methionine 390 with threonine.
Molecular consequence: missense variant.
Genome position (GRCh38, 1-based): chr2:190,986,906, A>G on the plus strand (T>C on the coding strand, the complement: STAT1 is on the minus strand). VCF-style: chr2-190986906-A-G. GRCh37 (hg19) VCF-style: chr2-191851632-A-G.
Other names: c.1109T>C, p.Met370Thr (NM_001384880.1); c.1175T>C, p.Met392Thr (NM_001384881.1, NM_001384884.1); c.1163T>C, p.Met388Thr (NM_001384882.1); c.1070T>C, p.Met357Thr (NM_001384883.1); c.1010T>C, p.Met337Thr (NM_001384885.1); c.1169T>C, p.Met390Thr (NM_001384886.1, NM_001384889.1, NM_139266.3); c.1076T>C, p.Met359Thr (NM_001384887.1); c.1139T>C, p.Met380Thr (NM_001384888.1); and 2 more; short protein forms M359T, M380T, M388T, M390T, M402T, M337T, M357T, M360T.
Identifiers: ClinVar variation 1465662 (VCV001465662.8), dbSNP rs1553494436, ClinGen allele CA349919069.